The following is an entry in ClinVar:

NM_000548.5(TSC2):c.2764_2765del (p.Leu922fs)

Gene: TSC2 (TSC complex subunit 2; plus strand). Cytogenetic location: 16p13.3.
Variant type: Deletion.
Coding change: c.2764_2765del on transcript NM_000548.5 (MANE Select); coding-DNA positions 2764 to 2765, 2 bases deleted (TT; older notation c.2764_2765delTT).
Protein change: p.Leu922fs; shifts the reading frame from leucine 922.
Molecular consequence: frameshift variant.
Genome position (GRCh38, 1-based): chr16:2,076,512-2,076,513, TT deleted. VCF-style (leftmost placement, unchanged base first): chr16-2076511-CTT-C. GRCh37 (hg19) VCF-style: chr16-2126512-CTT-C.
Other names: c.2617_2618del, p.Leu873fs (NM_001318829.2); c.2164_2165del, p.Leu722fs (NM_001318831.2); c.2797_2798del, p.Leu933fs (NM_001318832.2); c.2764_2765del, p.Leu922fs (NM_001363528.2, NM_001370404.1, NM_001370405.1 and 3 more transcripts); c.2653_2654del, p.Leu885fs (NM_001318827.2); c.2764_2765delTT (NM_000548.4); short protein forms L722fs, L873fs, L922fs, L933fs, L885fs.
Identifiers: ClinVar variation 438794 (VCV000438794.3), dbSNP rs1555508929, ClinGen allele CA645509207.

ClinVar aggregate classification (germline): Pathogenic/Likely pathogenic. Review status: criteria provided, multiple submitters, no conflicts (2 of 4 stars). 4 submissions from 4 submitters: Pathogenic (1); Likely pathogenic (2). 1 of the submissions does not count toward it. Last evaluated 2025-10-06.

Conditions:
TSC2-related disorder. Also called: TSC2-Related Disorders; TSC2-related condition.
Tuberous sclerosis 2 (TSC2). Identifiers: Orphanet 805, MedGen C1860707, MONDO:0013199, OMIM 613254.
Bone osteosarcoma. Also called: Osteosarcoma, somatic. Identifiers: Orphanet 668, MedGen C0585442, MONDO:0002629, OMIM 259500.

Submissions (4):

PreventionGenetics, part of Exact Sciences
Classification: Likely pathogenic for TSC2-related condition. Last evaluated: 2025-10-06. Review status: criteria provided, single submitter. Criteria: ACMG Guidelines, 2015. Collection method: clinical testing. Allele origin: germline.
Comment: The TSC2 c.2764_2765delTT variant is predicted to result in a frameshift and premature protein termination (p.Leu922Valfs*3). This variant was reported in multiple individuals with tuberous sclerosis (Chen et al. 2020. PubMed ID: 32502767; Ng et al. 2022. PubMed ID: 35918040; Togi et al. 2022. PubMed ID: 36232477) and as a somatic variant in an individual with osteosarcoma (eTable 7, Parsons et al. 2016. PubMed ID: 26822237). This variant has not been reported in a large population database (gnomAD), indicating this variant is rare. Frameshift variants in TSC2 are expected to be pathogenic. This variant is interpreted as likely pathogenic.

Division of Genomic Medicine, Department of Advanced Medicine, Medical Research Institute, Kanazawa Medical University
Classification: Pathogenic for Tuberous sclerosis 2. Last evaluated: 2022-07-17. Review status: criteria provided, single submitter. Criteria: ACMG Guidelines, 2015. Collection method: clinical testing. Allele origin: germline. Affected: yes. Observed: 2 variant alleles.

Center for Human Genetics, Inc
Classification: Likely pathogenic for Tuberous sclerosis 2. Last evaluated: 2016-11-01. Review status: criteria provided, single submitter. Criteria: ACMG Guidelines, 2015. Collection method: clinical testing. Allele origin: germline. Affected: yes.

Donald Williams Parsons Laboratory, Baylor College of Medicine
Classification: other for OSTEOSARCOMA. Last evaluated: 2016-05-01. Review status: no assertion criteria provided. Collection method: clinical testing. Allele origin: somatic. Inheritance: Somatic mutation. Affected: yes. Study: CSER-BASIC3. Not counted in ClinVar's aggregate classification.

Literature cited by the submitters: PubMed 26822237 (cited by Donald Williams Parsons Laboratory, Baylor College of Medicine).